The following is an entry in ClinVar:

ClinVar aggregate classification (germline): Benign/Likely benign. Review status: criteria provided, multiple submitters, no conflicts (2 of 4 stars). 6 submissions from 6 submitters: Benign (5); Likely benign (1). Last evaluated 2026-02-04.

Conditions:
Ehlers-Danlos syndrome, spondylodysplastic type, 3. Also called: Ehlers-Danlos syndrome, spondylocheirodysplastic type. Identifiers: Orphanet 157965, MedGen C2676510, MONDO:0012873, OMIM 612350.

Allele frequency attached by ClinVar (database versions not stated): 1000 Genomes Project 0.07648; 1000 Genomes Project 30x 0.07651; gnomAD exomes 0.10730 and 0.12958; TOPMed 0.10874; gnomAD 0.11173 and 0.11400; ExAC 0.11177; ESP Exome Variant Server 0.12048.
gnomAD v4.1: 205,811 of 1,613,100 alleles (13%); highest among the groups gnomAD compares: Non-Finnish European, 14%; 14,076 homozygotes.

Submissions (6):

Labcorp Genetics (formerly Invitae), Labcorp
Classification: Benign for Ehlers-Danlos syndrome, spondylodysplastic type, 3. Last evaluated: 2026-02-04. Review status: criteria provided, single submitter. Criteria: Invitae Variant Classification Sherloc (09022015). Collection method: clinical testing. Allele origin: germline.

Women's Health and Genetics/Laboratory Corporation of America, LabCorp
Classification: Likely benign. Last evaluated: 2026-01-22. Review status: criteria provided, single submitter. Criteria: LabCorp Variant Classification Summary - May 2015. Collection method: clinical testing. Allele origin: germline.

Blueprint Genetics
Classification: Benign. Last evaluated: 2024-11-27. Review status: criteria provided, single submitter. Criteria: ACMG Guidelines, 2015. Collection method: clinical testing. Allele origin: germline.

Mayo Clinic Laboratories, Mayo Clinic
Classification: Benign. Last evaluated: 2019-04-16. Review status: criteria provided, single submitter. Criteria: ACMG Guidelines, 2015. Collection method: clinical testing. Allele origin: germline. Observed: 1,075 variant alleles.

GeneDx
Classification: Benign. Last evaluated: 2016-10-05. Review status: criteria provided, single submitter. Criteria: GeneDx Variant Classification (06012015). Collection method: clinical testing. Allele origin: germline. Affected: yes.
Comment: This variant is considered likely benign or benign based on one or more of the following criteria: it is a conservative change, it occurs at a poorly conserved position in the protein, it is predicted to be benign by multiple in silico algorithms, and/or has population frequency not consistent with disease.

Breakthrough Genomics
Classification: Benign. Review status: criteria provided, single submitter. Criteria: ACMG Guidelines, 2015. Collection method: not provided. Allele origin: germline. Inheritance: Autosomal recessive inheritance. Affected: yes.

NM_001128225.3(SLC39A13):c.58A>G (p.Thr20Ala)

Gene: SLC39A13 (solute carrier family 39 member 13; plus strand). Cytogenetic location: 11p11.2.
Variant type: single nucleotide variant.
Coding change: c.58A>G on transcript NM_001128225.3 (MANE Select); coding-DNA position 58, A replaced by G.
Protein change: p.Thr20Ala; replaces threonine 20 with alanine.
Molecular consequence: missense variant. On other transcripts: non-coding transcript variant (1).
Genome position (GRCh38, 1-based): chr11:47,410,152, A>G. VCF-style: chr11-47410152-A-G. GRCh37 (hg19) VCF-style: chr11-47431703-A-G.
Other names: p.Thr20Ala; c.58A>G, p.Thr20Ala (NM_001330245.2, NM_152264.5); short protein forms T20A.
Identifiers: ClinVar variation 384705 (VCV000384705.14), dbSNP rs61897432, ClinGen allele CA5975653.